The following is an entry in ClinVar:

NM_001319074.4(RAX2):c.-19G>C

Gene: RAX2 (retina and anterior neural fold homeobox 2; minus strand). Cytogenetic location: 19p13.3.
Variant type: single nucleotide variant.
Coding change: c.-19G>C on transcript NM_001319074.4 (MANE Select); 19 bases upstream of the start codon, G replaced by C.
Molecular consequence: 5 prime UTR variant. On other transcripts: intron variant (1).
Genome position (GRCh38, 1-based): chr19:3,771,761, C>G on the plus strand (G>C on the coding strand, the complement: RAX2 is on the minus strand). VCF-style: chr19-3771761-C-G. GRCh37 (hg19) VCF-style: chr19-3771759-C-G.
Other names: c.-9-10G>C (NM_032753.4).
Identifiers: ClinVar variation 3350490 (VCV003350490.2).

ClinVar aggregate classification (germline): Likely benign. Review status: criteria provided, single submitter (1 of 4 stars). 2 submissions from 2 submitters: Likely benign (1). 1 of the submissions does not count toward it. Last evaluated 2024-11-19.

Conditions:
RAX2-related disorder. Also called: RAX2-related disorders; RAX2-related condition.

Submissions (2):

Blueprint Genetics
Classification: Likely benign. Last evaluated: 2024-11-19. Review status: criteria provided, single submitter. Criteria: ACMG Guidelines, 2015. Collection method: clinical testing. Allele origin: germline.

PreventionGenetics, part of Exact Sciences
Classification: Likely benign for RAX2-related condition. Last evaluated: 2024-08-29. Review status: no assertion criteria provided. Collection method: clinical testing. Allele origin: germline. Not counted in ClinVar's aggregate classification.
Comment: This variant is classified as likely benign based on ACMG/AMP sequence variant interpretation guidelines (Richards et al. 2015 PMID: 25741868, with internal and published modifications).